The following is an entry in ClinVar:

ClinVar aggregate classification (germline): Uncertain significance (1 of 4 stars; one submission).

Conditions:
Intellectual disability, autosomal recessive 53 (NEDHSCA). Also called: GLYCOSYLPHOSPHATIDYLINOSITOL BIOSYNTHESIS DEFECT 13; Mental retardation, autosomal recessive 53; NEURODEVELOPMENTAL DISORDER WITH OR WITHOUT HYPOTONIA, SEIZURES, AND CEREBELLAR ATROPHY. Identifiers: Orphanet 488635, MedGen C4310794, MONDO:0014832, OMIM 616917.

Allele frequency attached by ClinVar (database versions not stated): gnomAD 0.00001; gnomAD exomes 0.00001; 1000 Genomes Project 0.00020; 1000 Genomes Project 30x 0.00031.
gnomAD v4.1: 6 of 1,603,972 alleles (0.00037%); highest among the groups gnomAD compares: East Asian, 0.0067%; no homozygotes.

Submission:

Labcorp Genetics (formerly Invitae), Labcorp
Classification: Uncertain significance for Intellectual disability, autosomal recessive 53. Last evaluated: 2023-05-15. Review status: criteria provided, single submitter. Criteria: Invitae Variant Classification Sherloc (09022015). Collection method: clinical testing. Allele origin: germline.
Comment: Advanced modeling of protein sequence and biophysical properties (such as structural, functional, and spatial information, amino acid conservation, physicochemical variation, residue mobility, and thermodynamic stability) performed at Invitae indicates that this missense variant is not expected to disrupt PIGG protein function. This variant is present in population databases (rs181098265, gnomAD 0.01%). This variant has not been reported in the literature in individuals affected with PIGG-related conditions. ClinVar contains an entry for this variant (Variation ID: 862221). In summary, the available evidence is currently insufficient to determine the role of this variant in disease. Therefore, it has been classified as a Variant of Uncertain Significance. This sequence change replaces methionine, which is neutral and non-polar, with threonine, which is neutral and polar, at codon 541 of the PIGG protein (p.Met541Thr).

NM_001127178.3(PIGG):c.1622T>C (p.Met541Thr)

Gene: PIGG (phosphatidylinositol glycan anchor biosynthesis class G (EMM blood group); plus strand). Cytogenetic location: 4p16.3.
Variant type: single nucleotide variant.
Coding change: c.1622T>C on transcript NM_001127178.3 (MANE Select); coding-DNA position 1622, T replaced by C.
Protein change: p.Met541Thr; replaces methionine 541 with threonine.
Molecular consequence: missense variant. On other transcripts: non-coding transcript variant (7).
Genome position (GRCh38, 1-based): chr4:523,466, T>C. VCF-style: chr4-523466-T-C. GRCh37 (hg19) VCF-style: chr4-517255-T-C.
Other names: c.1355T>C, p.Met452Thr (NM_001289051.2, NM_001345986.2); c.1223T>C, p.Met408Thr (NM_001289052.2); c.1331T>C, p.Met444Thr (NM_001345987.2); c.593T>C, p.Met198Thr (NM_001345988.2); c.89T>C, p.Met30Thr (NM_001345990.2, NM_001345991.2); c.524T>C, p.Met175Thr (NM_001345994.2); c.1598T>C, p.Met533Thr (NM_017733.5); short protein forms M198T, M444T, M452T, M533T, M175T, M30T, M408T, M541T.
Identifiers: ClinVar variation 862221 (VCV000862221.9), dbSNP rs181098265, ClinGen allele CA91066659.
Genomic context (GRCh38, chr4:523,466, plus strand): 5'-GATGTGTGTCGTTATCAGACCGTCTCTTACAAAGTGCACTTTCCTTTTCACAGAACCCCA[T>C]GCATCCCAGCTCAAGGTGGTCAGAGCTAGACCTTCTTATTCTGTTGGGGACGGCGGGCCA-3'
Protein context (NP_001120650.1, residues 531-551): VGGNTPRKNP[Met541Thr]HPSSRWSELD